The following is an entry in ClinVar:

ClinVar aggregate classification (germline): Likely benign. Review status: criteria provided, multiple submitters, no conflicts (2 of 4 stars). 3 submissions from 3 submitters: Likely benign (3). Last evaluated 2024-11-07.

Conditions:
Renal cell carcinoma. Identifiers: Orphanet 217071, MedGen C0007134, MeSH D002292, MONDO:0005086, HP:0005584.
Papillary renal cell carcinoma type 1 (RCCP1). Also called: Renal adenocarcinoma; Renal cell carcinoma 1; Renal cell carcinoma, somatic; RENAL CELL CARCINOMA, PAPILLARY, 1, SOMATIC. Identifiers: Orphanet 47044, MedGen C1336839, OMIM 605074, HP:0011797.

Allele frequency attached by ClinVar (database versions not stated): gnomAD exomes below 0.00001.
gnomAD v4.1: 1 of 1,613,958 alleles (0.000062%); highest among the groups gnomAD compares: Non-Finnish European, 0.000085%; no homozygotes.

Submissions (3):

Myriad Genetics, Inc.
Classification: Likely benign for Papillary renal cell carcinoma type 1. Last evaluated: 2024-11-07. Review status: criteria provided, single submitter. Criteria: Myriad Autosomal Dominant, Autosomal Recessive and X-Linked Classification Criteria (2023). Collection method: clinical testing. Allele origin: unknown.
Comment: This variant is considered likely benign. This variant is intronic and is not expected to impact mRNA splicing.

Blueprint Genetics
Classification: Likely benign. Last evaluated: 2024-10-28. Review status: criteria provided, single submitter. Criteria: ACMG Guidelines, 2015. Collection method: clinical testing. Allele origin: germline.

Labcorp Genetics (formerly Invitae), Labcorp
Classification: Likely benign for Renal cell carcinoma. Last evaluated: 2023-03-29. Review status: criteria provided, single submitter. Criteria: Invitae Variant Classification Sherloc (09022015). Collection method: clinical testing. Allele origin: germline.

NM_000245.4(MET):c.1201-12A>C

Gene: MET (MET proto-oncogene, receptor tyrosine kinase; plus strand). Cytogenetic location: 7q31.2.
Variant type: single nucleotide variant.
Coding change: c.1201-12A>C on transcript NM_000245.4 (MANE Select); 12 bases into the intron before coding-DNA position 1201, A replaced by C.
Molecular consequence: intron variant.
Genome position (GRCh38, 1-based): chr7:116,731,656, A>C. VCF-style: chr7-116731656-A-C. GRCh37 (hg19) VCF-style: chr7-116371710-A-C.
Other names: c.1201-12A>C (NM_001127500.3, NM_001324401.3); c.-90-12A>C (NM_001324402.2).
Identifiers: ClinVar variation 1578467 (VCV001578467.10), dbSNP rs2116778819, ClinGen allele CA2573141488.
Genomic context (GRCh38, chr7:116,731,656, plus strand): 5'-ACACTGAAAGGTTTCTTACCAGCTTGTTCATGTCTGGATTCACATTAACTCTATGACCAT[A>C]TTTTATTCCAGACACTTCTGAGAAATTCATCAGGCTGTGAAGCGCGCCGTGATGAATATC-3'